The following is an entry in ClinVar:

ClinVar aggregate classification (germline): Benign/Likely benign. Review status: criteria provided, multiple submitters, no conflicts (2 of 4 stars). 3 submissions from 3 submitters: Benign (1); Likely benign (2). Last evaluated 2026-06-24.

Conditions:
Retinoblastoma (RB1). Also called: RETINOBLASTOMA, SOMATIC. Identifiers: Orphanet 790, MedGen C0035335, MeSH D012175, MONDO:0008380, OMIM 180200, HP:0009919. Disease mechanism: loss of function. Inheritance: Both sporadic and heritable forms are tested..
Hereditary cancer-predisposing syndrome. Also called: Tumor predisposition; Hereditary Cancer Syndrome; Hereditary neoplastic syndrome; Neoplastic Syndromes, Hereditary. Identifiers: Orphanet 140162, MedGen C0027672, MeSH D009386, MONDO:0015356.

Allele frequency attached by ClinVar (database versions not stated): gnomAD exomes 0.00001 and below 0.00001; gnomAD 0.00001.
gnomAD v4.1: 4 of 1,311,998 alleles (0.0003%); highest among the groups gnomAD compares: East Asian, 0.0028%; no homozygotes.

Submissions (3):

Myriad Genetics, Inc.
Classification: Benign for Retinoblastoma. Last evaluated: 2026-06-24. Review status: criteria provided, single submitter. Criteria: Myriad Autosomal Dominant, Autosomal Recessive and X-Linked Classification Criteria (2023). Collection method: clinical testing. Allele origin: unknown.
Comment: This variant is considered benign. This variant is a silent/synonymous amino acid change and it is not expected to impact splicing.

Labcorp Genetics (formerly Invitae), Labcorp
Classification: Likely benign for Retinoblastoma. Last evaluated: 2025-02-17. Review status: criteria provided, single submitter. Criteria: Invitae Variant Classification Sherloc (09022015). Collection method: clinical testing. Allele origin: germline.

Ambry Genetics
Classification: Likely benign for Hereditary cancer-predisposing syndrome. Last evaluated: 2022-02-26. Review status: criteria provided, single submitter. Criteria: Ambry Variant Classification Scheme 2023. Collection method: clinical testing. Allele origin: germline.

NM_000321.3(RB1):c.1399C>A (p.Arg467=)

Gene: RB1 (RB transcriptional corepressor 1; plus strand). Cytogenetic location: 13q14.2.
Variant type: single nucleotide variant.
Coding change: c.1399C>A on transcript NM_000321.3 (MANE Select); coding-DNA position 1399, C replaced by A.
Protein change: p.Arg467=; no amino-acid change (arginine 467 retained).
Molecular consequence: synonymous variant.
Genome position (GRCh38, 1-based): chr13:48,380,062, C>A. VCF-style: chr13-48380062-C-A. GRCh37 (hg19) VCF-style: chr13-48954198-C-A.
Identifiers: ClinVar variation 796386 (VCV000796386.14), dbSNP rs398123331, ClinGen allele CA483559248.
Genomic context (GRCh38, chr13:48,380,062, plus strand): 5'-AAGGTTTCAATTAAACAACTTCTTTTTTTTTTTTTAAATTATCTGTTTCAGGAAGAAGAA[C>A]GATTATCCATTCAAAATTTTAGGTAAATTTTTTACTTTTAGTAAAAAATTTTTTTCTTTT-3'
Protein context (NP_000312.2, residues 457-477): MESMLKSEEE[Arg467=]LSIQNFSKLL